The following is an entry in ClinVar:

ClinVar aggregate classification (germline): Uncertain significance (1 of 4 stars; one submission).

Conditions:
Developmental and epileptic encephalopathy 94 (DEE94). Also called: Epileptic encephalopathy, childhood-onset; CHD2-Related Neurodevelopmental Disorders. Identifiers: Orphanet 1942, Orphanet 2382, MedGen C3809278, MONDO:0014150, OMIM 615369.

Submission:

Labcorp Genetics (formerly Invitae), Labcorp
Classification: Uncertain significance for Developmental and epileptic encephalopathy 94. Last evaluated: 2024-03-16. Review status: criteria provided, single submitter. Criteria: Invitae Variant Classification Sherloc (09022015). Collection method: clinical testing. Allele origin: germline.
Comment: This sequence change replaces aspartic acid, which is acidic and polar, with glutamic acid, which is acidic and polar, at codon 1708 of the CHD2 protein (p.Asp1708Glu). This variant is not present in population databases (gnomAD no frequency). This variant has not been reported in the literature in individuals affected with CHD2-related conditions. Advanced modeling of protein sequence and biophysical properties (such as structural, functional, and spatial information, amino acid conservation, physicochemical variation, residue mobility, and thermodynamic stability) performed at Invitae indicates that this missense variant is not expected to disrupt CHD2 protein function with a negative predictive value of 95%. In summary, the available evidence is currently insufficient to determine the role of this variant in disease. Therefore, it has been classified as a Variant of Uncertain Significance.

NM_001271.4(CHD2):c.5124C>A (p.Asp1708Glu)

Gene: CHD2 (chromodomain helicase DNA binding protein 2; plus strand). Cytogenetic location: 15q26.1.
Variant type: single nucleotide variant.
Coding change: c.5124C>A on transcript NM_001271.4 (MANE Select); coding-DNA position 5124, C replaced by A.
Protein change: p.Asp1708Glu; replaces aspartic acid 1708 with glutamic acid.
Molecular consequence: missense variant.
Genome position (GRCh38, 1-based): chr15:93,020,229, C>A. VCF-style: chr15-93020229-C-A. GRCh37 (hg19) VCF-style: chr15-93563459-C-A.
Other names: short protein forms D1708E.
Identifiers: ClinVar variation 3636695 (VCV003636695.2).
Genomic context (GRCh38, chr15:93,020,229, plus strand): 5'-CTATCGACCCAACAACATGTCCAGAAAGAGGCCTTATGACCAGTACAGCAGTGACCGAGA[C>A]CACCGGGGACACAGAGATTATTATGACAGGTATGCAAAAGGCTGTGAGACACCAGGTGCC-3'
Protein context (NP_001262.3, residues 1698-1718): RPYDQYSSDR[Asp1708Glu]HRGHRDYYDR